The following is an entry in ClinVar:

ClinVar aggregate classification (germline): Pathogenic (1 of 4 stars; one submission).

Conditions:
Citrullinemia. Identifiers: Orphanet 187, MedGen C0175683, MONDO:0015991.

Submission:

Labcorp Genetics (formerly Invitae), Labcorp
Classification: Pathogenic for Citrullinemia. Last evaluated: 2023-12-21. Review status: criteria provided, single submitter. Criteria: Invitae Variant Classification Sherloc (09022015). Collection method: clinical testing. Allele origin: germline.
Comment: This variant, c.1128_1134delinsG, is a complex sequence change that results in the deletion of 3 and insertion of 1 amino acid(s) in the ASS1 protein (p.Ser376_Asn378delinsArg). This variant is not present in population databases (gnomAD no frequency). This variant has been observed in individual(s) with citrullinemia type I (Invitae). In at least one individual the data is consistent with being in trans (on the opposite chromosome) from a pathogenic variant. It has also been observed to segregate with disease in related individuals. Experimental studies and prediction algorithms are not available or were not evaluated, and the functional significance of this variant is currently unknown. Algorithms developed to predict the effect of sequence changes on RNA splicing suggest that this variant may disrupt the consensus splice site. This variant disrupts a region of the ASS1 protein in which other variant(s) (p.Met377Thr) have been determined to be pathogenic (PMID: 35433176). This suggests that this is a clinically significant region of the protein, and that variants that disrupt it are likely to be disease-causing. For these reasons, this variant has been classified as Pathogenic.

Literature cited by the submitters: PubMed 35433176.

NM_054012.4(ASS1):c.1128_1134delinsG (p.Ser376_Asn378delinsArg)

Gene: ASS1 (argininosuccinate synthase 1; plus strand). Cytogenetic location: 9q34.11.
Variant type: Indel.
Coding change: c.1128_1134delinsG on transcript NM_054012.4 (MANE Select); coding-DNA positions 1128 to 1134, CATGAAC replaced by G.
Protein change: p.Ser376_Asn378delinsArg.
Molecular consequence: inframe indel.
Genome position (GRCh38, 1-based): chr9:130,499,505-130,499,511, CATGAAC replaced by G. VCF-style: chr9-130499505-CATGAAC-G. GRCh37 (hg19) VCF-style: chr9-133374892-CATGAAC-G.
Identifiers: ClinVar variation 458671 (VCV000458671.5), dbSNP rs1439911743, ClinGen allele CA658657909.
Genomic context (GRCh38, chr9:130,499,505, plus strand): 5'-CCTCCCTTCAAGCAGAGGCCAGGGCCAGGCTGAGCTGACAAGCTTCTACTCTCCTTGCAG[CATGAAC>G]GTGCAGGGTGATTATGAGCCAACTGATGCCACCGGGTTCATCAACATCAATTCCCTCAGG-3'